The following is an entry in ClinVar:

NM_000245.4(MET):c.1696T>G (p.Tyr566Asp)

Gene: MET (MET proto-oncogene, receptor tyrosine kinase; plus strand). Cytogenetic location: 7q31.2.
Variant type: single nucleotide variant.
Coding change: c.1696T>G on transcript NM_000245.4 (MANE Select); coding-DNA position 1696, T replaced by G.
Protein change: p.Tyr566Asp; replaces tyrosine 566 with aspartic acid.
Molecular consequence: missense variant.
Genome position (GRCh38, 1-based): chr7:116,741,020, T>G. VCF-style: chr7-116741020-T-G. GRCh37 (hg19) VCF-style: chr7-116381074-T-G.
Other names: c.1696T>G, p.Tyr566Asp (NM_001127500.3, NM_001324401.3); c.406T>G, p.Tyr136Asp (NM_001324402.2); short protein forms Y136D, Y566D.
Identifiers: ClinVar variation 2201863 (VCV002201863.5), dbSNP rs2116838212, ClinGen allele CA368975920.

ClinVar aggregate classification (germline): Uncertain significance. Review status: criteria provided, multiple submitters, no conflicts (2 of 4 stars). 2 submissions from 2 submitters: Uncertain significance (2). Last evaluated 2024-02-23.

Conditions:
Renal cell carcinoma. Identifiers: Orphanet 217071, MedGen C0007134, MeSH D002292, MONDO:0005086, HP:0005584.
Hereditary cancer-predisposing syndrome. Also called: Tumor predisposition; Hereditary neoplastic syndrome; Neoplastic Syndromes, Hereditary; Hereditary Cancer Syndrome. Identifiers: Orphanet 140162, MedGen C0027672, MeSH D009386, MONDO:0015356.

Submissions (2):

Labcorp Genetics (formerly Invitae), Labcorp
Classification: Uncertain significance for Renal cell carcinoma. Last evaluated: 2024-02-23. Review status: criteria provided, single submitter. Criteria: Invitae Variant Classification Sherloc (09022015). Collection method: clinical testing. Allele origin: germline.
Comment: This sequence change replaces tyrosine, which is neutral and polar, with aspartic acid, which is acidic and polar, at codon 566 of the MET protein (p.Tyr566Asp). This variant is not present in population databases (gnomAD no frequency). This variant has not been reported in the literature in individuals affected with MET-related conditions. ClinVar contains an entry for this variant (Variation ID: 2201863). Advanced modeling of protein sequence and biophysical properties (such as structural, functional, and spatial information, amino acid conservation, physicochemical variation, residue mobility, and thermodynamic stability) performed at Invitae indicates that this missense variant is not expected to disrupt MET protein function with a negative predictive value of 80%. In summary, the available evidence is currently insufficient to determine the role of this variant in disease. Therefore, it has been classified as a Variant of Uncertain Significance.

Ambry Genetics
Classification: Uncertain significance for Hereditary cancer-predisposing syndrome. Last evaluated: 2023-12-14. Review status: criteria provided, single submitter. Criteria: Ambry Variant Classification Scheme 2023. Collection method: clinical testing. Allele origin: germline.
Comment: The p.Y566D variant (also known as c.1696T>G), located in coding exon 4 of the MET gene, results from a T to G substitution at nucleotide position 1696. The tyrosine at codon 566 is replaced by aspartic acid, an amino acid with highly dissimilar properties. This amino acid position is conserved. In addition, the in silico prediction for this alteration is inconclusive. Since supporting evidence is limited at this time, the clinical significance of this alteration remains unclear.